The following is an entry in ClinVar:

ClinVar aggregate classification (germline): Likely benign. Review status: criteria provided, multiple submitters, no conflicts (2 of 4 stars). 2 submissions from 2 submitters: Likely benign (2). Last evaluated 2025-10-26.

Allele frequency attached by ClinVar (database versions not stated): gnomAD exomes 0.00002; gnomAD 0.00003; TOPMed 0.00004.
gnomAD v4.1: 27 of 1,613,916 alleles (0.0017%); highest among the groups gnomAD compares: Non-Finnish European, 0.0021%; no homozygotes.

Submissions (2):

Labcorp Genetics (formerly Invitae), Labcorp
Classification: Likely benign. Last evaluated: 2025-10-26. Review status: criteria provided, single submitter. Criteria: Invitae Variant Classification Sherloc (09022015). Collection method: clinical testing. Allele origin: germline.

CeGaT Center for Human Genetics Tuebingen
Classification: Likely benign. Last evaluated: 2022-07-01. Review status: criteria provided, single submitter. Criteria: CeGaT Center For Human Genetics Tuebingen Variant Classification Criteria Version 2. Collection method: clinical testing. Allele origin: germline. Affected: yes. Observed: 1 variant allele.
Comment: KL: BP4, BP7

NM_004795.4(KL):c.2748G>A (p.Ser916=)

Gene: KL (klotho; plus strand). Cytogenetic location: 13q13.1.
Variant type: single nucleotide variant.
Coding change: c.2748G>A on transcript NM_004795.4 (MANE Select); coding-DNA position 2748, G replaced by A.
Protein change: p.Ser916=; no amino-acid change (serine 916 retained).
Molecular consequence: synonymous variant.
Genome position (GRCh38, 1-based): chr13:33,063,895, G>A. VCF-style: chr13-33063895-G-A. GRCh37 (hg19) VCF-style: chr13-33638032-G-A.
Identifiers: ClinVar variation 2643734 (VCV002643734.25), dbSNP rs1367290977, ClinGen allele CA483281355.